The following is an entry in ClinVar:

ClinVar aggregate classification (germline): Uncertain significance (1 of 4 stars; one submission).

Allele frequency attached by ClinVar (database versions not stated): gnomAD exomes below 0.00001.
gnomAD v4.1: 1 of 1,613,356 alleles (0.000062%); highest among the groups gnomAD compares: Non-Finnish European, 0.000085%; no homozygotes.

Submission:

Labcorp Genetics (formerly Invitae), Labcorp
Classification: Uncertain significance. Last evaluated: 2023-09-25. Review status: criteria provided, single submitter. Criteria: Invitae Variant Classification Sherloc (09022015). Collection method: clinical testing. Allele origin: germline.
Comment: In summary, the available evidence is currently insufficient to determine the role of this variant in disease. Therefore, it has been classified as a Variant of Uncertain Significance. An algorithm developed to predict the effect of missense changes on protein structure and function (PolyPhen-2) suggests that this variant is likely to be disruptive. ClinVar contains an entry for this variant (Variation ID: 2008088). This variant has not been reported in the literature in individuals affected with RORB-related conditions. This variant is not present in population databases (gnomAD no frequency). This sequence change replaces valine, which is neutral and non-polar, with glycine, which is neutral and non-polar, at codon 7 of the RORB protein (p.Val7Gly).

NM_006914.4(RORB):c.20T>G (p.Val7Gly)

Gene: RORB (RAR related orphan receptor B; plus strand). Cytogenetic location: 9q21.13.
Variant type: single nucleotide variant.
Coding change: c.20T>G on transcript NM_006914.4 (MANE Select); coding-DNA position 20, T replaced by G.
Protein change: p.Val7Gly; replaces valine 7 with glycine.
Molecular consequence: missense variant.
Genome position (GRCh38, 1-based): chr9:74,630,294, T>G. VCF-style: chr9-74630294-T-G. GRCh37 (hg19) VCF-style: chr9-77245210-T-G.
Other names: c.53T>G, p.Val18Gly (NM_001365023.1); short protein forms V18G, V7G.
Identifiers: ClinVar variation 2008088 (VCV002008088.4), dbSNP rs2489556699, ClinGen allele CA373771891.
Genomic context (GRCh38, chr9:74,630,294, plus strand): 5'-GAGAAAGAAAACATCTGTATGCTCAAAATGTCTGTTTTCTCCTTTCAGCACAAATTGAAG[T>G]GATACCATGCAAAATTTGTGGCGATAAGTCCTCTGGGATCCACTACGGAGTCATCACATG-3'
Protein context (NP_008845.2, residues 1-17): MRAQIE[Val7Gly]IPCKICGDKS